The following is an entry in ClinVar:

ClinVar aggregate classification (germline): other (0 of 4 stars; one submission).

Conditions:
Familial colorectal cancer. Identifiers: MedGen CN280943, MONDO:0023113. Disease mechanism: loss of function.

Submission:

Systems Biology Platform Zhejiang California International NanoSystems Institute
Classification: other for Familial colorectal cancer. Review status: no assertion criteria provided. Collection method: not provided. Allele origin: unknown.
ClinVar note: Converted during submission from cancer to other.

NM_000038.6(APC):c.1743+1377C>A

Gene: APC (APC regulator of WNT signaling pathway; plus strand). Cytogenetic location: 5q22.2.
Variant type: single nucleotide variant.
Coding change: c.1743+1377C>A on transcript NM_000038.6 (MANE Select); 1377 bases into the intron after coding-DNA position 1743, C replaced by A.
Molecular consequence: intron variant.
Genome position (GRCh38, 1-based): chr5:112,830,349, C>A. VCF-style: chr5-112830349-C-A. GRCh37 (hg19) VCF-style: chr5-112166046-C-A.
Other names: c.1743+1377C>A (NM_001354895.2, NM_001127510.3); c.1773+1377C>A (NM_001354897.2); c.1470+1377C>A (NM_001354902.2); c.1689+1377C>A (NM_001127511.3); c.1668+1377C>A (NM_001354898.2); c.1365+1377C>A (NM_001354904.2); c.894+1377C>A (NM_001354906.2); c.1797+1377C>A (NM_001354896.2); and 5 more.
Identifiers: ClinVar variation 82593 (VCV000082593.2), dbSNP rs74531593, ClinGen allele CA005504.